The following is an entry in ClinVar:

NM_000152.5(GAA):c.55G>A (p.Val19Met)

Gene: GAA (alpha glucosidase; plus strand). Cytogenetic location: 17q25.3.
Variant type: single nucleotide variant.
Coding change: c.55G>A on transcript NM_000152.5 (MANE Select); coding-DNA position 55, G replaced by A.
Protein change: p.Val19Met; replaces valine 19 with methionine.
Molecular consequence: missense variant.
Genome position (GRCh38, 1-based): chr17:80,104,641, G>A. VCF-style: chr17-80104641-G-A. GRCh37 (hg19) VCF-style: chr17-78078440-G-A.
Other names: c.55G>A (LRG_673t1); c.55G>A, p.Val19Met (NM_001079803.3, NM_001079804.3); short protein forms V19M.
Identifiers: ClinVar variation 657111 (VCV000657111.15), dbSNP rs200343198, ClinGen allele CA8814774.

ClinVar aggregate classification (germline): Uncertain significance. Review status: criteria provided, multiple submitters, no conflicts (2 of 4 stars). 6 submissions from 6 submitters: Uncertain significance (5). 1 of the submissions does not count toward it. Last evaluated 2025-08-06.

Conditions:
Cardiovascular phenotype. Identifiers: MedGen CN230736.
Glycogen storage disease, type II (IOPD). Also called: Pompe Disease; GLYCOGENOSIS, GENERALIZED, CARDIAC FORM; GSD II; CARDIOMEGALIA GLYCOGENICA DIFFUSA; Glycogen storage disease type 2; Acid maltase deficiency disease. Identifiers: Orphanet 365, MedGen C0017921, MONDO:0009290, OMIM 232300.

Allele frequency attached by ClinVar (database versions not stated): ESP Exome Variant Server 0.00008; ExAC 0.00003; gnomAD 0.00005 and 0.00006; TOPMed 0.00006.

Submissions (6):

Ambry Genetics
Classification: Uncertain significance for Cardiovascular phenotype. Last evaluated: 2025-08-06. Review status: criteria provided, single submitter. Criteria: Ambry Variant Classification Scheme 2023. Collection method: clinical testing. Allele origin: germline.
Comment: The p.V19M variant (also known as c.55G>A), located in coding exon 1 of the GAA gene, results from a G to A substitution at nucleotide position 55. The valine at codon 19 is replaced by methionine, an amino acid with highly similar properties. This amino acid position is conserved. In addition, this alteration is predicted to be tolerated by in silico analysis. Since supporting evidence is limited at this time, the clinical significance of this alteration remains unclear.

Blueprint Genetics
Classification: Uncertain significance. Last evaluated: 2023-09-25. Review status: criteria provided, single submitter. Criteria: ACMG Guidelines, 2015. Collection method: clinical testing. Allele origin: germline.

Revvity Omics, Revvity
Classification: Uncertain significance. Last evaluated: 2023-05-18. Review status: criteria provided, single submitter. Criteria: ACMG Guidelines, 2015. Collection method: clinical testing. Allele origin: germline.

Labcorp Genetics (formerly Invitae), Labcorp
Classification: Uncertain significance for Glycogen storage disease, type II. Last evaluated: 2022-10-30. Review status: criteria provided, single submitter. Criteria: Invitae Variant Classification Sherloc (09022015). Collection method: clinical testing. Allele origin: germline.
Comment: This sequence change replaces valine, which is neutral and non-polar, with methionine, which is neutral and non-polar, at codon 19 of the GAA protein (p.Val19Met). This variant is present in population databases (rs200343198, gnomAD 0.05%). This variant has not been reported in the literature in individuals affected with GAA-related conditions. ClinVar contains an entry for this variant (Variation ID: 657111). Advanced modeling of protein sequence and biophysical properties (such as structural, functional, and spatial information, amino acid conservation, physicochemical variation, residue mobility, and thermodynamic stability) performed at Invitae indicates that this missense variant is not expected to disrupt GAA protein function. In summary, the available evidence is currently insufficient to determine the role of this variant in disease. Therefore, it has been classified as a Variant of Uncertain Significance.

Department of Pathology and Laboratory Medicine, Sinai Health System
Classification: Uncertain significance for Glycogen storage disease, type II. Last evaluated: 2021-07-30. Review status: criteria provided, single submitter. Criteria: ACMG Guidelines, 2015. Collection method: research. Allele origin: germline.

Natera, Inc.
Classification: Uncertain significance for Glycogen storage disease type II. Last evaluated: 2020-09-16. Review status: no assertion criteria provided. Collection method: clinical testing. Allele origin: germline. Not counted in ClinVar's aggregate classification.